The following is an entry in ClinVar:

ClinVar aggregate classification (germline): Benign/Likely benign. Review status: criteria provided, multiple submitters, no conflicts (2 of 4 stars). 3 submissions from 3 submitters: Benign (1); Likely benign (2). Last evaluated 2023-09-20.

Conditions:
Wolfram syndrome 1 (WFS1). Identifiers: Orphanet 3463, MedGen C4551693, MONDO:0009101, OMIM 222300.

Allele frequency attached by ClinVar (database versions not stated): ExAC 0.00001.
gnomAD v4.1: 8 of 1,614,082 alleles (0.0005%); highest among the groups gnomAD compares: Middle Eastern, 0.016%; no homozygotes.

Submissions (3):

Labcorp Genetics (formerly Invitae), Labcorp
Classification: Likely benign. Last evaluated: 2023-09-20. Review status: criteria provided, single submitter. Criteria: Invitae Variant Classification Sherloc (09022015). Collection method: clinical testing. Allele origin: germline.

GeneDx
Classification: Likely benign. Last evaluated: 2016-07-07. Review status: criteria provided, single submitter. Criteria: GeneDx Variant Classification (06012015). Collection method: clinical testing. Allele origin: germline. Affected: yes.
Comment: This variant is considered likely benign or benign based on one or more of the following criteria: it is a conservative change, it occurs at a poorly conserved position in the protein, it is predicted to be benign by multiple in silico algorithms, and/or has population frequency not consistent with disease.

Clinical Genomics, Uppaluri K&H Personalized Medicine Clinic
Classification: Benign for Wolfram syndrome 1. Review status: criteria provided, single submitter. Criteria: K & H Uppaluri Personalized Medicine Clinic Variant Classification & Assertion Criteria_Updated V.1. Collection method: research. Allele origin: unknown. Inheritance: Autosomal recessive inheritance.
Comment: Potent mutations in WFS1 gene are associated with Wolfram's syndrome, an autosomal recessive condition, which cause diabetes mellitus, diabetes insipidus, deafness and optic atrophy. However no sufficient evidence is found to ascertain the role of this particular variant rs763063215 in Wolfram's syndrome yet.

Literature cited by the submitters: PubMed 20738327 (cited by Clinical Genomics, Uppaluri K&H Personalized Medicine Clinic); PubMed 33879153 (cited by Clinical Genomics, Uppaluri K&H Personalized Medicine Clinic); PubMed 12955714 (cited by Clinical Genomics, Uppaluri K&H Personalized Medicine Clinic); PubMed 18060660 (cited by Clinical Genomics, Uppaluri K&H Personalized Medicine Clinic); PubMed 20301750 (cited by Clinical Genomics, Uppaluri K&H Personalized Medicine Clinic); PubMed 17603484 (cited by Clinical Genomics, Uppaluri K&H Personalized Medicine Clinic).

NM_006005.3(WFS1):c.924C>T (p.Ser308=)

Gene: WFS1 (wolframin ER transmembrane glycoprotein; plus strand). Cytogenetic location: 4p16.1.
Variant type: single nucleotide variant.
Coding change: c.924C>T on transcript NM_006005.3 (MANE Select); coding-DNA position 924, C replaced by T.
Protein change: p.Ser308=; no amino-acid change (serine 308 retained).
Molecular consequence: synonymous variant.
Genome position (GRCh38, 1-based): chr4:6,300,719, C>T. VCF-style: chr4-6300719-C-T. GRCh37 (hg19) VCF-style: chr4-6302446-C-T.
Other names: c.924C>T, p.Ser308= (NM_001145853.1).
Identifiers: ClinVar variation 387074 (VCV000387074.8), dbSNP rs763063215, ClinGen allele CA2839155.